The following is an entry in ClinVar:

ClinVar aggregate classification (germline): Uncertain significance (1 of 4 stars; one submission).

Conditions:
Dilated cardiomyopathy 1O (CMD1O). Also called: CARDIOMYOPATHY, DILATED, WITH VENTRICULAR TACHYCARDIA. Identifiers: Orphanet 154, MedGen C1837839, MONDO:0012062, OMIM 608569.

Submission:

Labcorp Genetics (formerly Invitae), Labcorp
Classification: Uncertain significance for Dilated cardiomyopathy 1O. Last evaluated: 2024-11-20. Review status: criteria provided, single submitter. Criteria: Invitae Variant Classification Sherloc (09022015). Collection method: clinical testing. Allele origin: germline.
Comment: This sequence change replaces histidine, which is basic and polar, with aspartic acid, which is acidic and polar, at codon 1005 of the ABCC9 protein (p.His1005Asp). This variant is not present in population databases (gnomAD no frequency). This variant has not been reported in the literature in individuals affected with ABCC9-related conditions. Invitae Evidence Modeling of protein sequence and biophysical properties (such as structural, functional, and spatial information, amino acid conservation, physicochemical variation, residue mobility, and thermodynamic stability) has been performed for this missense variant. However, the output from this modeling did not meet the statistical confidence thresholds required to predict the impact of this variant on ABCC9 protein function. In summary, the available evidence is currently insufficient to determine the role of this variant in disease. Therefore, it has been classified as a Variant of Uncertain Significance.

NM_020297.4(ABCC9):c.3013C>G (p.His1005Asp)

Gene: ABCC9 (ATP binding cassette subfamily C member 9; minus strand). Cytogenetic location: 12p12.1.
Variant type: single nucleotide variant.
Coding change: c.3013C>G on transcript NM_020297.4 (MANE Select); coding-DNA position 3013, C replaced by G.
Protein change: p.His1005Asp; replaces histidine 1005 with aspartic acid.
Molecular consequence: missense variant.
Genome position (GRCh38, 1-based): chr12:21,845,686, G>C on the plus strand (C>G on the coding strand, the complement: ABCC9 is on the minus strand). VCF-style: chr12-21845686-G-C. GRCh37 (hg19) VCF-style: chr12-21998620-G-C.
Other names: c.3013C>G, p.His1005Asp (NM_001377273.1, NM_005691.4); c.2146C>G, p.His716Asp (NM_001377274.1); short protein forms H716D, H1005D.
Identifiers: ClinVar variation 3718602 (VCV003718602.2).